The following is an entry in ClinVar:

NM_001048174.2(MUTYH):c.980dup (p.Val328fs)

Gene: MUTYH (mutY DNA glycosylase; minus strand). Cytogenetic location: 1p34.1.
Variant type: Duplication.
Coding change: c.980dup on transcript NM_001048174.2 (MANE Select); coding-DNA position 980, one base duplicated (T; older notation c.980dupT).
Protein change: p.Val328fs; shifts the reading frame from valine 328.
Molecular consequence: frameshift variant. On other transcripts: non-coding transcript variant (2).
Genome position (GRCh38, 1-based): chr1:45,331,783, A duplicated on the plus strand (T on the coding strand, the reverse complement: MUTYH is on the minus strand). VCF-style (leftmost placement, unchanged base first): chr1-45331782-C-CA. GRCh37 (hg19) VCF-style: chr1-45797454-C-CA.
Other names: c.1064dup, p.Val356fs (NM_001128425.2); c.1025dup, p.Val343fs (NM_001293190.2); c.1013dup, p.Val339fs (NM_001293191.2); c.704dup, p.Val236fs (NM_001293192.2, NM_001293196.2); c.980dup, p.Val328fs (NM_001293195.2, NM_001048171.2, NM_001048173.2); c.635dup, p.Val213fs (NM_001350650.2, NM_001350651.2); c.1013dup, p.Val339Glyfs (NM_001407069.1, NM_001407077.1); c.980dup, p.Val328Glyfs (NM_001407070.1, NM_001407072.1, NM_001407073.1 and 3 more transcripts); and 10 more; short protein forms V213fs, V328fs, V329fs, V343fs, V356fs, V236fs, V339fs, V353fs.
Identifiers: ClinVar variation 2111728 (VCV002111728.4), dbSNP rs2524012540, ClinGen allele CA2580063032.

ClinVar aggregate classification (germline): Likely pathogenic (1 of 4 stars; one submission).

Conditions:
Familial adenomatous polyposis 2. Also called: MUTYH Polyposis; COLORECTAL ADENOMATOUS POLYPOSIS, AUTOSOMAL RECESSIVE; ADENOMAS, MULTIPLE COLORECTAL, AUTOSOMAL RECESSIVE; MUTYH-associated polyposis; MYH-associated polyposis; MUTYH-related attenuated familial adenomatous polyposis. Identifiers: Orphanet 220460, Orphanet 247798, MedGen C3272841, MONDO:0012041, OMIM 608456.

Submission:

Labcorp Genetics (formerly Invitae), Labcorp
Classification: Likely pathogenic for Familial adenomatous polyposis 2. Last evaluated: 2022-05-20. Review status: criteria provided, single submitter. Criteria: Invitae Variant Classification Sherloc (09022015). Collection method: clinical testing. Allele origin: germline.
Comment: In summary, the currently available evidence indicates that the variant is pathogenic, but additional data are needed to prove that conclusively. Therefore, this variant has been classified as Likely Pathogenic. This variant disrupts the conserved PCNA binding motif of the MUTYH protein, which has been shown to be critical for MUTYH-PCNA binding and repair efficiency (PMID: 11092888, 26377631, 11433026, 11864576). While functional studies have not been performed to directly test the effect of this variant on MUTYH protein function, this suggests that disruption of this region of the protein is causative of disease. This variant has not been reported in the literature in individuals affected with MUTYH-related conditions. This variant is not present in population databases (gnomAD no frequency). This sequence change creates a premature translational stop signal (p.Val356Glyfs*176) in the MUTYH gene. While this is not anticipated to result in nonsense mediated decay, it is expected to disrupt the last 194 amino acid(s) of the MUTYH protein.

Literature cited by the submitters: PubMed 11092888; PubMed 26377631; PubMed 11433026; PubMed 11864576.